The following is an entry in ClinVar:

NC_000001.11:g.230704350T>C

Gene: AGT (angiotensinogen; minus strand). Cytogenetic location: 1q42.2.
Variant type: single nucleotide variant.
Genome position: GRCh38 VCF-style: chr1-230704350-T-C. GRCh37 (hg19) VCF-style: chr1-230840096-T-C.
Other names: NM_000029.3:c.1125-13A>G.
Identifiers: ClinVar variation 296076 (VCV000296076.24), dbSNP rs1926723, ClinGen allele CA1448117.

ClinVar aggregate classification (germline): Benign/Likely benign. Review status: criteria provided, multiple submitters, no conflicts (2 of 4 stars). 5 submissions from 5 submitters: Benign (4); Likely benign (1). Last evaluated 2026-02-04.

Conditions:
Renal tubular dysgenesis. Also called: Renotubular dysgenesis. Identifiers: Orphanet 3033, MedGen C0266313, MONDO:0017609, HP:0008660.

Allele frequency attached by ClinVar (database versions not stated): TOPMed 0.09307; 1000 Genomes Project 30x 0.12555; 1000 Genomes Project 0.13319; ESP Exome Variant Server 0.06697.
gnomAD v4.1: 141,730 of 1,613,506 alleles (8.8%); highest among the groups gnomAD compares: East Asian, 33%; 8,470 homozygotes.

Submissions (5):

Labcorp Genetics (formerly Invitae), Labcorp
Classification: Benign. Last evaluated: 2026-02-04. Review status: criteria provided, single submitter. Criteria: Invitae Variant Classification Sherloc (09022015). Collection method: clinical testing. Allele origin: germline.

Blueprint Genetics
Classification: Likely benign. Last evaluated: 2024-11-26. Review status: criteria provided, single submitter. Criteria: ACMG Guidelines, 2015. Collection method: clinical testing. Allele origin: germline.

GeneDx
Classification: Benign. Last evaluated: 2021-06-09. Review status: criteria provided, single submitter. Criteria: GeneDx Variant Classification Process June 2021. Collection method: clinical testing. Allele origin: germline. Affected: yes.

Illumina Laboratory Services, Illumina
Classification: Benign for Renal tubular dysgenesis of genetic origin. Last evaluated: 2018-01-12. Review status: criteria provided, single submitter. Criteria: ICSL Variant Classification Criteria 13 December 2019. Collection method: clinical testing. Allele origin: germline.
Comment: This variant was observed in the ICSL laboratory as part of a predisposition screen in an ostensibly healthy population. It had not been previously curated by ICSL or reported in the Human Gene Mutation Database (HGMD: prior to June 1st, 2018), and was therefore a candidate for classification through an automated scoring system. Utilizing variant allele frequency, disease prevalence and penetrance estimates, and inheritance mode, an automated score was calculated to assess if this variant is too frequent to cause the disease. Based on the score and internal cut-off values, a variant classified as benign is not then subjected to further curation. The score for this variant resulted in a classification of benign for this disease.

Breakthrough Genomics
Classification: Benign. Review status: criteria provided, single submitter. Criteria: ACMG Guidelines, 2015. Collection method: not provided. Allele origin: germline. Inheritance: Multifactorial inheritance. Affected: yes.